The following is an entry in ClinVar:

NM_003235.5(TG):c.83C>T (p.Ala28Val)

Gene: TG (thyroglobulin; plus strand). Cytogenetic location: 8q24.22.
Variant type: single nucleotide variant.
Coding change: c.83C>T on transcript NM_003235.5 (MANE Select); coding-DNA position 83, C replaced by T.
Protein change: p.Ala28Val; replaces alanine 28 with valine.
Molecular consequence: missense variant.
Genome position (GRCh38, 1-based): chr8:132,868,130, C>T. VCF-style: chr8-132868130-C-T. GRCh37 (hg19) VCF-style: chr8-133880375-C-T.
Other names: short protein forms A28V.
Identifiers: ClinVar variation 3233451 (VCV003233451.3), dbSNP rs114543085, ClinGen allele CA4882786.

ClinVar aggregate classification (germline): Uncertain significance. Review status: criteria provided, multiple submitters, no conflicts (2 of 4 stars). 2 submissions from 2 submitters: Uncertain significance (2). Last evaluated 2024-11-07.

Allele frequency attached by ClinVar (database versions not stated): ESP Exome Variant Server 0.00015; 1000 Genomes Project 30x 0.00016; ExAC 0.00016; TOPMed 0.00016; 1000 Genomes Project 0.00020; gnomAD 0.00023.
gnomAD v4.1: 256 of 1,614,130 alleles (0.016%); highest among the groups gnomAD compares: Middle Eastern, 0.16%; no homozygotes.

Submissions (2):

Blueprint Genetics
Classification: Uncertain significance. Last evaluated: 2024-11-07. Review status: criteria provided, single submitter. Criteria: ACMG Guidelines, 2015. Collection method: clinical testing. Allele origin: germline.

Women's Health and Genetics/Laboratory Corporation of America, LabCorp
Classification: Uncertain significance. Last evaluated: 2024-03-13. Review status: criteria provided, single submitter. Criteria: LabCorp Variant Classification Summary - May 2015. Collection method: clinical testing. Allele origin: germline.
Comment: Variant summary: TG c.83C>T (p.Ala28Val) results in a non-conservative amino acid change in the encoded protein sequence. Three of five in-silico tools predict a benign effect of the variant on protein function. The variant allele was found at a frequency of 0.00012 in 251394 control chromosomes. This frequency does not allow conclusion about variant significance. To our knowledge, no occurrence of c.83C>T in individuals affected with TG-Related Disorders and no experimental evidence demonstrating its impact on protein function have been reported. No submitters have cited clinical-significance assessments for this variant to ClinVar. Based on the evidence outlined above, the variant was classified as uncertain significance.